The following is an entry in ClinVar:

NM_001384732.1(CPLANE1):c.9400+2T>G

Gene: CPLANE1 (ciliogenesis and planar polarity effector complex subunit 1; minus strand). Cytogenetic location: 5p13.2.
Variant type: single nucleotide variant.
Coding change: c.9400+2T>G on transcript NM_001384732.1 (MANE Select); the canonical splice donor site of the intron after coding-DNA position 9400, T replaced by G.
Molecular consequence: splice donor variant.
Genome position (GRCh38, 1-based): chr5:37,114,958, A>C on the plus strand (T>G on the coding strand, the complement: CPLANE1 is on the minus strand). VCF-style: chr5-37114958-A-C. GRCh37 (hg19) VCF-style: chr5-37115060-A-C.
Other names: c.9238+2T>G (NM_023073.4).
Identifiers: ClinVar variation 3347009 (VCV003347009.2).
Genomic context (GRCh38, chr5:37,114,958, plus strand): 5'-CAAAAAAAAAAAAAAGAAAATTCAGTATTAAGTCTAAAAACTTTATCTTCTTTATCCCTT[A>C]CCTTTTTGGAAGGTAACTGGAGACTGCGTAGCCTTTCTTACTGCTGCTTTGGCTCCACCA-3'

ClinVar aggregate classification (germline): Pathogenic. Review status: criteria provided, single submitter (1 of 4 stars). 2 submissions from 2 submitters: Pathogenic (1). 1 of the submissions does not count toward it. Last evaluated 2024-01-01.

Conditions:
CPLANE1-related disorder. Also called: CPLANE1-related condition.

gnomAD v4.1: 2 of 1,581,610 alleles (0.00013%); highest among the groups gnomAD compares: Non-Finnish European, 0.00017%; no homozygotes.

Submissions (2):

Daryl Scott Lab, Baylor College of Medicine
Classification: Pathogenic for CPLANE1-related disorder. Last evaluated: 2024-01-01. Review status: criteria provided, single submitter. Criteria: ACMG Guidelines, 2015. Collection method: clinical testing. Allele origin: paternal. Observed: 1 heterozygote.
Comment: PVS1, PM2

PreventionGenetics, part of Exact Sciences
Classification: Likely pathogenic for CPLANE1-related condition. Last evaluated: 2024-05-22. Review status: no assertion criteria provided. Collection method: clinical testing. Allele origin: germline. Not counted in ClinVar's aggregate classification.
Comment: The CPLANE1 c.9238+2T>G variant is predicted to disrupt the GT donor site and interfere with normal splicing. To our knowledge, this variant has not been reported in the literature. This variant is reported in 0.0018% of alleles in individuals of European (Non-Finnish) descent in gnomAD. Variants that disrupt the consensus splice donor site in CPLANE1 are expected to be pathogenic. This variant is interpreted as likely pathogenic.